The following is an entry in ClinVar:

NM_152424.4(AMER1):c.1104_1105dup (p.Gly369fs)

Gene: AMER1 (APC membrane recruitment protein 1; minus strand). Cytogenetic location: Xq11.2.
Variant type: Duplication.
Coding change: c.1104_1105dup on transcript NM_152424.4 (MANE Select); coding-DNA positions 1104 to 1105, 2 bases duplicated (TG; older notation c.1104_1105dupTG).
Protein change: p.Gly369fs; shifts the reading frame from glycine 369.
Molecular consequence: frameshift variant.
Genome position (GRCh38, 1-based): chrX:64,192,182-64,192,183, CA duplicated on the plus strand (TG on the coding strand, the reverse complement: AMER1 is on the minus strand); duplicating any 2 consecutive bases within chrX:64,192,182-64,192,184 gives the same sequence; the c. name uses the placement nearest the transcript's 3' end. VCF-style (leftmost placement, unchanged base first): chrX-64192181-C-CCA. GRCh37 (hg19) VCF-style: chrX-63412061-C-CCA.
Other names: short protein forms G369fs.
Identifiers: ClinVar variation 2572435 (VCV002572435.1), dbSNP rs2521221582, ClinGen allele CA2580612336.

ClinVar aggregate classification (germline): Likely pathogenic (1 of 4 stars; one submission).

Conditions:
Osteopathia striata with cranial sclerosis (OSCS). Also called: HYPEROSTOSIS GENERALISATA WITH STRIATIONS. Identifiers: Orphanet 2780, MedGen C0432268, MONDO:0010310, OMIM 300373.

Submission:

3billion
Classification: Likely pathogenic for Osteopathia striata with cranial sclerosis. Review status: criteria provided, single submitter. Criteria: ACMG Guidelines, 2015. Collection method: clinical testing. Allele origin: unknown. Affected: yes. Observed: 1 heterozygote.
Comment: The variant is not observed in the gnomAD v2.1.1 dataset. The variant is predicted to result in a loss or disruption of normal protein function through protein truncation. The predicted truncated protein may be shortened by more than 10%. Multiple pathogenic variants are reported in the predicted truncated region. Therefore, this variant is classified as Likely pathogenic according to the recommendation of ACMG/AMP guideline.